The following is an entry in ClinVar:

ClinVar aggregate classification (germline): Uncertain significance (1 of 4 stars; one submission).

Allele frequency attached by ClinVar (database versions not stated): TOPMed below 0.00001.

Submission:

GeneDx
Classification: Uncertain significance. Last evaluated: 2023-03-28. Review status: criteria provided, single submitter. Criteria: GeneDx Variant Classification Process June 2021. Collection method: clinical testing. Allele origin: germline. Affected: yes.
Comment: Not observed at significant frequency in large population cohorts (gnomAD); In silico analysis supports that this missense variant has a deleterious effect on protein structure/function; Has not been previously published as pathogenic or benign to our knowledge

NM_052867.4(NALCN):c.2720C>A (p.Ser907Tyr)

Gene: NALCN (sodium leak channel, non-selective; minus strand). Cytogenetic location: 13q33.1.
Variant type: single nucleotide variant.
Coding change: c.2720C>A on transcript NM_052867.4 (MANE Select); coding-DNA position 2720, C replaced by A.
Protein change: p.Ser907Tyr; replaces serine 907 with tyrosine.
Molecular consequence: missense variant.
Genome position (GRCh38, 1-based): chr13:101,104,567, G>T on the plus strand (C>A on the coding strand, the complement: NALCN is on the minus strand). VCF-style: chr13-101104567-G-T. GRCh37 (hg19) VCF-style: chr13-101756918-G-T.
Other names: c.2807C>A, p.Ser936Tyr (NM_001350748.2); c.2720C>A, p.Ser907Tyr (NM_001350749.2); c.2633C>A, p.Ser878Tyr (NM_001350750.2, NM_001350751.2); short protein forms S878Y, S907Y, S936Y.
Identifiers: ClinVar variation 2581813 (VCV002581813.1), dbSNP rs2034999264, ClinGen allele CA388669873.